The following is an entry in ClinVar:

ClinVar aggregate classification (germline): Uncertain significance. Review status: criteria provided, multiple submitters, no conflicts (2 of 4 stars). 6 submissions from 6 submitters: Uncertain significance (6). Last evaluated 2025-08-21.

Conditions:
Inborn genetic diseases. Identifiers: MedGen C0950123, MeSH D030342.
Werner syndrome (WRN). Identifiers: Orphanet 902, MedGen C0043119, MONDO:0010196, OMIM 277700.

Allele frequency attached by ClinVar (database versions not stated): gnomAD 0.00003 and 0.00004; gnomAD exomes 0.00003; TOPMed 0.00003; ExAC 0.00005; ESP Exome Variant Server 0.00008; 1000 Genomes Project 30x 0.00016; 1000 Genomes Project 0.00020.

Submissions (6):

Ambry Genetics
Classification: Uncertain significance for Inborn genetic diseases. Last evaluated: 2025-08-21. Review status: criteria provided, single submitter. Criteria: Ambry Variant Classification Scheme 2023. Collection method: clinical testing. Allele origin: germline.

Dasa
Classification: Uncertain significance. Last evaluated: 2025-06-22. Review status: criteria provided, single submitter. Criteria: DASA Assertion Criteria. Collection method: clinical testing. Allele origin: germline.
Comment: NM_000553.6(WRN):c.4001T>G (p.Leu1334Arg) is a missense variant that results in the substitution of leucine with arginine. This variant is rare in population databases. Computational prediction algorithms are consistent with a benign effect. The currently available literature and clinical evidence are not sufficient to establish a definitive association between this variant and the reported condition. Therefore, this variant is classified as a variant of uncertain significance.

Labcorp Genetics (formerly Invitae), Labcorp
Classification: Uncertain significance for Werner syndrome. Last evaluated: 2025-01-23. Review status: criteria provided, single submitter. Criteria: Invitae Variant Classification Sherloc (09022015). Collection method: clinical testing. Allele origin: germline.
Comment: This sequence change replaces leucine, which is neutral and non-polar, with arginine, which is basic and polar, at codon 1334 of the WRN protein (p.Leu1334Arg). This variant is present in population databases (rs200403732, gnomAD 0.005%). This variant has not been reported in the literature in individuals affected with WRN-related conditions. ClinVar contains an entry for this variant (Variation ID: 458475). An algorithm developed to predict the effect of missense changes on protein structure and function (PolyPhen-2) suggests that this variant¬†is likely to be tolerated. In summary, the available evidence is currently insufficient to determine the role of this variant in disease. Therefore, it has been classified as a Variant of Uncertain Significance.

CeGaT Center for Human Genetics Tuebingen
Classification: Uncertain significance. Last evaluated: 2024-10-01. Review status: criteria provided, single submitter. Criteria: CeGaT Center For Human Genetics Tuebingen Variant Classification Criteria Version 2. Collection method: clinical testing. Allele origin: germline. Affected: yes. Observed: 1 variant allele.
Comment: WRN: PM2, BP4

Fulgent Genetics
Classification: Uncertain significance for Werner syndrome. Last evaluated: 2022-02-24. Review status: criteria provided, single submitter. Criteria: ACMG Guidelines, 2015. Collection method: clinical testing. Allele origin: unknown.

Institute for Clinical Genetics, University Hospital TU Dresden, University Hospital TU Dresden
Classification: Uncertain significance. Last evaluated: 2021-11-03. Review status: criteria provided, single submitter. Criteria: ACMG Guidelines, 2015. Collection method: clinical testing. Allele origin: germline.

NM_000553.6(WRN):c.4001T>G (p.Leu1334Arg)

Gene: WRN (WRN RecQ like helicase; plus strand). Cytogenetic location: 8p12.
Variant type: single nucleotide variant.
Coding change: c.4001T>G on transcript NM_000553.6 (MANE Select); coding-DNA position 4001, T replaced by G.
Protein change: p.Leu1334Arg; replaces leucine 1334 with arginine.
Molecular consequence: missense variant.
Genome position (GRCh38, 1-based): chr8:31,167,040, T>G. VCF-style: chr8-31167040-T-G. GRCh37 (hg19) VCF-style: chr8-31024556-T-G.
Other names: short protein forms L1334R.
Identifiers: ClinVar variation 458475 (VCV000458475.27), dbSNP rs200403732, ClinGen allele CA4705239.